The following is an entry in ClinVar:

ClinVar aggregate classification (germline): Pathogenic (1 of 4 stars; one submission).

Conditions:
Carney complex, type 1 (CNC1). Also called: CARNEY MYXOMA-ENDOCRINE COMPLEX; CARNEY COMPLEX, TYPE I. Identifiers: Orphanet 1359, MedGen C2607929, MONDO:0008057, OMIM 160980.

Submission:

Labcorp Genetics (formerly Invitae), Labcorp
Classification: Pathogenic for Carney complex, type 1. Last evaluated: 2024-05-06. Review status: criteria provided, single submitter. Criteria: Invitae Variant Classification Sherloc (09022015). Collection method: clinical testing. Allele origin: germline.
Comment: This sequence change creates a premature translational stop signal (p.Arg333Leufs*13) in the PRKAR1A gene. While this is not anticipated to result in nonsense mediated decay, it is expected to disrupt the last 49 amino acid(s) of the PRKAR1A protein. This variant is not present in population databases (gnomAD no frequency). This variant has not been reported in the literature in individuals affected with PRKAR1A-related conditions. This variant disrupts a region of the PRKAR1A protein in which other variant(s) (p.Arg368*) have been determined to be pathogenic (PMID: 21651393, 22464250, 28804209). This suggests that this is a clinically significant region of the protein, and that variants that disrupt it are likely to be disease-causing. For these reasons, this variant has been classified as Pathogenic.

Literature cited by the submitters: PubMed 21651393; PubMed 22464250; PubMed 28804209.

NM_002734.5(PRKAR1A):c.998del (p.Arg333fs)

Gene: PRKAR1A (protein kinase cAMP-dependent type I regulatory subunit alpha; plus strand). Cytogenetic location: 17q24.2.
Variant type: Deletion.
Coding change: c.998del on transcript NM_002734.5 (MANE Select); coding-DNA position 998, one base deleted (G; older notation c.998delG).
Protein change: p.Arg333fs; shifts the reading frame from arginine 333.
Molecular consequence: frameshift variant. On other transcripts: intron variant (1).
Genome position (GRCh38, 1-based): chr17:68,530,301, G deleted. VCF-style (leftmost placement, unchanged base first): chr17-68530300-CG-C. GRCh37 (hg19) VCF-style: chr17-66526441-CG-C.
Other names: c.998del, p.Arg333fs (NM_001276289.2, NM_001278433.2, NM_001369389.1 and 3 more transcripts); c.973+300del (NM_001276290.1); short protein forms R333fs.
Identifiers: ClinVar variation 2853032 (VCV002853032.3), dbSNP rs2509446428, ClinGen allele CA2739265743.